The following is an entry in ClinVar:

ClinVar aggregate classification (germline): Conflicting classifications of pathogenicity. Review status: criteria provided, conflicting classifications (1 of 4 stars). 3 submissions from 3 submitters: Uncertain significance (1); Likely benign (2). Last evaluated 2025-07-02.

Conditions:
Inborn genetic diseases. Identifiers: MedGen C0950123, MeSH D030342.
Early-infantile DEE. Also called: Early infantile epileptic encephalopathy; Ohtahara syndrome; Early infantile epileptic encephalopathy with suppression bursts. Identifiers: Orphanet 1934, MedGen C0393706, MONDO:0800491.

Allele frequency attached by ClinVar (database versions not stated): ExAC 0.00003; gnomAD 0.00003 and 0.00004; gnomAD exomes 0.00004; TOPMed 0.00005.
gnomAD v4.1: 71 of 1,613,920 alleles (0.0044%); highest among the groups gnomAD compares: African/African-American, 0.0067%; no homozygotes.

Submissions (3):

Labcorp Genetics (formerly Invitae), Labcorp
Classification: Likely benign for Early-infantile DEE. Last evaluated: 2025-07-02. Review status: criteria provided, single submitter. Criteria: Invitae Variant Classification Sherloc (09022015). Collection method: clinical testing. Allele origin: germline.

GeneDx
Classification: Likely benign. Last evaluated: 2021-01-08. Review status: criteria provided, single submitter. Criteria: GeneDx Variant Classification Process June 2021. Collection method: clinical testing. Allele origin: germline. Affected: yes.

Ambry Genetics
Classification: Uncertain significance for Inborn genetic diseases. Last evaluated: 2017-06-29. Review status: criteria provided, single submitter. Criteria: Ambry Variant Classification Scheme 2023. Collection method: clinical testing. Allele origin: germline.
Comment: The p.R1349W variant (also known as c.4045C>T), located in coding exon 30 of the SPTAN1 gene, results from a C to T substitution at nucleotide position 4045. The arginine at codon 1349 is replaced by tryptophan, an amino acid with dissimilar properties. This amino acid position is highly conserved in available vertebrate species. In addition, the in silico prediction for this alteration is inconclusive. Since supporting evidence is limited at this time, the clinical significance of this alteration remains unclear.

NM_001130438.3(SPTAN1):c.4045C>T (p.Arg1349Trp)

Gene: SPTAN1 (spectrin alpha, non-erythrocytic 1; plus strand). Cytogenetic location: 9q34.11.
Variant type: single nucleotide variant.
Coding change: c.4045C>T on transcript NM_001130438.3 (MANE Select); coding-DNA position 4045, C replaced by T.
Protein change: p.Arg1349Trp; replaces arginine 1349 with tryptophan.
Molecular consequence: missense variant.
Genome position (GRCh38, 1-based): chr9:128,605,476, C>T. VCF-style: chr9-128605476-C-T. GRCh37 (hg19) VCF-style: chr9-131367755-C-T.
Other names: c.3985C>T, p.Arg1329Trp (NM_001195532.2, NM_001363765.2); c.4045C>T, p.Arg1349Trp (NM_001363759.2, NM_003127.4); short protein forms R1349W, R1329W.
Identifiers: ClinVar variation 365166 (VCV000365166.16), dbSNP rs771862017, ClinGen allele CA5265095.